The following is an entry in ClinVar:

ClinVar aggregate classification (germline): Conflicting classifications of pathogenicity. Review status: criteria provided, conflicting classifications (1 of 4 stars). 10 submissions from 10 submitters: Uncertain significance (5); Likely benign (3). 2 of the submissions do not count toward it. Last evaluated 2026-03-26.

Conditions:
TTN-related disorder. Also called: TTN-related condition; TTN-related disease; TTN-related disorders.
Cardiovascular phenotype. Identifiers: MedGen CN230736.
Dilated cardiomyopathy 1G (CMD1G). Identifiers: Orphanet 154, MedGen C1858763, MONDO:0011400, OMIM 604145.
Autosomal recessive limb-girdle muscular dystrophy type 2J (LGMDR10). Also called: Limb-girdle muscular dystrophy, type 2J; MUSCULAR DYSTROPHY, LIMB-GIRDLE, AUTOSOMAL RECESSIVE 10. Identifiers: Orphanet 140922, MedGen C1837342, MONDO:0012127, OMIM 608807.

Allele frequency attached by ClinVar (database versions not stated): ExAC 0.00007; gnomAD 0.00009 and 0.00011; gnomAD exomes 0.00010; TOPMed 0.00011; 1000 Genomes Project 30x 0.00016; 1000 Genomes Project 0.00020; ESP Exome Variant Server 0.00025.
gnomAD v4.1: 268 of 1,513,354 alleles (0.018%); highest among the groups gnomAD compares: Non-Finnish European, 0.022%; no homozygotes.

Submissions (10):

PreventionGenetics, part of Exact Sciences
Classification: Uncertain significance for TTN-related condition. Last evaluated: 2026-03-26. Review status: criteria provided, single submitter. Criteria: ACMG Guidelines, 2015. Collection method: clinical testing. Allele origin: germline.
Comment: The TTN c.72674C>T variant is predicted to result in the amino acid substitution p.Pro24225Leu. This variant was reported in a sudden unexplained death cohort in an individual that also carried variants in other cardiac-related genes (reported as p.Pro22584Leu, Suktitipat et al. 2017. PubMed ID: 28704380). This variant is reported in 0.018% of alleles in individuals of East Asian descent in gnomAD. At this time, the clinical significance of this variant is uncertain due to the absence of conclusive functional and genetic evidence.

Athena Diagnostics
Classification: Uncertain significance. Last evaluated: 2025-05-28. Review status: criteria provided, single submitter. Criteria: Athena Diagnostics Criteria. Collection method: clinical testing. Allele origin: unknown.
Comment: Available data are insufficient to determine the clinical significance of the variant at this time. The frequency of this variant in the general population is uninformative in assessment of its pathogenicity. Polyphen and MutationTaster predict this amino acid change may be damaging to the protein.

Ambry Genetics
Classification: Likely benign for Cardiovascular phenotype. Last evaluated: 2025-04-22. Review status: criteria provided, single submitter. Criteria: Ambry Variant Classification Scheme 2023. Collection method: clinical testing. Allele origin: germline.

Blueprint Genetics
Classification: Likely benign. Last evaluated: 2024-03-02. Review status: criteria provided, single submitter. Criteria: ACMG Guidelines, 2015. Collection method: clinical testing. Allele origin: germline.

Revvity Omics, Revvity
Classification: Uncertain significance. Last evaluated: 2023-06-08. Review status: criteria provided, single submitter. Criteria: ACMG Guidelines, 2015. Collection method: clinical testing. Allele origin: germline.

GeneDx
Classification: Likely benign. Last evaluated: 2021-09-29. Review status: criteria provided, single submitter. Criteria: GeneDx Variant Classification Process June 2021. Collection method: clinical testing. Allele origin: germline. Affected: yes.
Comment: This variant is associated with the following publications: (PMID: 17344846, 28704380)

Eurofins Ntd Llc (ga)
Classification: Uncertain significance. Last evaluated: 2018-05-15. Review status: criteria provided, single submitter. Criteria: EGL ClinVar v180209 classification definitions. Collection method: clinical testing. Allele origin: germline. Observed: 4 variant alleles, 3 heterozygotes.

Labcorp Genetics (formerly Invitae), Labcorp
Classification: Uncertain significance for Dilated cardiomyopathy 1G; Autosomal recessive limb-girdle muscular dystrophy type 2J. Last evaluated: 2017-09-22. Review status: criteria provided, single submitter. Criteria: Invitae Variant Classification Sherloc (09022015). Collection method: clinical testing. Allele origin: germline.

Clinical Genetics, Academic Medical Center
Classification: Uncertain significance. Review status: no assertion criteria provided. Collection method: clinical testing. Allele origin: germline. Affected: yes. Study: VKGL Data-share Consensus. Not counted in ClinVar's aggregate classification.

Genome Diagnostics Laboratory, Amsterdam University Medical Center
Classification: Uncertain significance. Review status: no assertion criteria provided. Collection method: clinical testing. Allele origin: germline. Affected: yes. Study: VKGL Data-share Consensus. Not counted in ClinVar's aggregate classification.

Literature cited by the submitters: PubMed 28704380 (cited by Athena Diagnostics and Ambry Genetics); PubMed 29420653 (cited by Athena Diagnostics); PubMed 29590070 (cited by Athena Diagnostics); PubMed 31983221 (cited by Athena Diagnostics).

NM_001267550.2(TTN):c.72674C>T (p.Pro24225Leu)

Genes: TTN (titin; minus strand), TTN-AS1 (TTN antisense RNA 1; plus strand). Cytogenetic location: 2q31.2.
Variant type: single nucleotide variant.
Coding change: c.72674C>T on transcript NM_001267550.2 (MANE Select); coding-DNA position 72674, C replaced by T.
Protein change: p.Pro24225Leu; replaces proline 24225 with leucine.
Molecular consequence: missense variant.
Genome position (GRCh38, 1-based): chr2:178,573,458, G>A on the plus strand (C>T on the coding strand, the complement: TTN is on the minus strand). VCF-style: chr2-178573458-G-A. GRCh37 (hg19) VCF-style: chr2-179438185-G-A.
Other names: c.72674C>T (LRG_391t1); c.67751C>T, p.Pro22584Leu (NM_001256850.1); c.45479C>T, p.Pro15160Leu (NM_003319.4); c.64970C>T, p.Pro21657Leu (NM_133378.4); c.45854C>T, p.Pro15285Leu (NM_133432.3); c.46055C>T, p.Pro15352Leu (NM_133437.4); short protein forms P21657L, P24225L, P15160L, P15285L, P15352L, P22584L.
Identifiers: ClinVar variation 497334 (VCV000497334.25), dbSNP rs55992239, ClinGen allele CA1990474.